The following is an entry in ClinVar:

NM_032043.3(BRIP1):c.2726T>G (p.Leu909Arg)

Gene: BRIP1 (BRCA1 interacting DNA helicase 1; minus strand). Cytogenetic location: 17q23.2.
Variant type: single nucleotide variant.
Coding change: c.2726T>G on transcript NM_032043.3 (MANE Select); coding-DNA position 2726, T replaced by G.
Protein change: p.Leu909Arg; replaces leucine 909 with arginine.
Molecular consequence: missense variant.
Genome position (GRCh38, 1-based): chr17:61,686,015, A>C on the plus strand (T>G on the coding strand, the complement: BRIP1 is on the minus strand). VCF-style: chr17-61686015-A-C. GRCh37 (hg19) VCF-style: chr17-59763376-A-C.
Other names: short protein forms L909R.
Identifiers: ClinVar variation 279710 (VCV000279710.24), dbSNP rs770966270, ClinGen allele CA10603383.

ClinVar aggregate classification (germline): Uncertain significance. Review status: criteria provided, multiple submitters, no conflicts (2 of 4 stars). 5 submissions from 5 submitters: Uncertain significance (5). Last evaluated 2025-10-23.

Conditions:
Hereditary cancer-predisposing syndrome. Also called: Hereditary neoplastic syndrome; Neoplastic Syndromes, Hereditary; Tumor predisposition; Hereditary Cancer Syndrome. Identifiers: Orphanet 140162, MedGen C0027672, MeSH D009386, MONDO:0015356.
Fanconi anemia complementation group J. Also called: BRIP1-Related Fanconi Anemia. Identifiers: Orphanet 84, MedGen C1836860, MONDO:0012187, OMIM 609054.
Familial cancer of breast. Also called: hereditary breast carcinoma; BREAST CANCER, FAMILIAL; Hereditary breast cancer. Identifiers: Orphanet 227535, MedGen C0346153, MONDO:0016419, OMIM 114480. Disease mechanism: loss of function.

gnomAD v4.1: 9 of 1,614,026 alleles (0.00056%); highest among the groups gnomAD compares: Non-Finnish European, 0.00076%; no homozygotes.

Submissions (5):

Ambry Genetics
Classification: Uncertain significance for Hereditary cancer-predisposing syndrome. Last evaluated: 2025-10-23. Review status: criteria provided, single submitter. Criteria: Ambry Variant Classification Scheme 2023. Collection method: clinical testing. Allele origin: germline.
Comment: The p.L909R variant (also known as c.2726T>G), located in coding exon 18 of the BRIP1 gene, results from a T to G substitution at nucleotide position 2726. The leucine at codon 909 is replaced by arginine, an amino acid with dissimilar properties. This alteration was identified in 1/1358 non-cancer control individuals and in 0/57 cases, in a study looking at cancer predisposition mutations in patients with cutaneous melanoma and a history of at least two additional non-cutaneous melanoma primary cancers (Pritchard AL et al. PLoS One, 2018 Apr;13:e0194098). This amino acid position is not well conserved in available vertebrate species. In addition, this alteration is predicted to be tolerated by in silico analysis. Since supporting evidence is limited at this time, the clinical significance of this alteration remains unclear.

Labcorp Genetics (formerly Invitae), Labcorp
Classification: Uncertain significance for Familial cancer of breast; Fanconi anemia complementation group J. Last evaluated: 2024-11-24. Review status: criteria provided, single submitter. Criteria: Invitae Variant Classification Sherloc (09022015). Collection method: clinical testing. Allele origin: germline.
Comment: This sequence change replaces leucine, which is neutral and non-polar, with arginine, which is basic and polar, at codon 909 of the BRIP1 protein (p.Leu909Arg). This variant is not present in population databases (gnomAD no frequency). This variant has not been reported in the literature in individuals affected with BRIP1-related conditions. ClinVar contains an entry for this variant (Variation ID: 279710). Invitae Evidence Modeling of protein sequence and biophysical properties (such as structural, functional, and spatial information, amino acid conservation, physicochemical variation, residue mobility, and thermodynamic stability) indicates that this missense variant is not expected to disrupt BRIP1 protein function with a negative predictive value of 95%. In summary, the available evidence is currently insufficient to determine the role of this variant in disease. Therefore, it has been classified as a Variant of Uncertain Significance.

Color Diagnostics, LLC DBA Color Health
Classification: Uncertain significance for Hereditary cancer-predisposing syndrome. Last evaluated: 2023-01-23. Review status: criteria provided, single submitter. Criteria: ACMG Guidelines, 2015. Collection method: clinical testing. Allele origin: germline.
Comment: This missense variant replaces leucine with arginine at codon 909 of the BRIP1 protein. Computational prediction suggests that this variant may not impact protein structure and function (internally defined REVEL score threshold <= 0.5, PMID: 27666373). To our knowledge, functional studies have not been reported for this variant. This variant has not been reported in individuals affected with hereditary cancer in the literature. This variant has not been identified in the general population by the Genome Aggregation Database (gnomAD). The available evidence is insufficient to determine the role of this variant in disease conclusively. Therefore, this variant is classified as a Variant of Uncertain Significance.

GeneDx
Classification: Uncertain significance. Last evaluated: 2020-10-19. Review status: criteria provided, single submitter. Criteria: GeneDx Variant Classification Process June 2021. Collection method: clinical testing. Allele origin: germline. Affected: yes.
Comment: Not observed in large population cohorts (Lek 2016); In silico analysis supports that this missense variant does not alter protein structure/function; Has not been previously published as pathogenic or benign to our knowledge

Quest Diagnostics Nichols Institute San Juan Capistrano
Classification: Uncertain significance. Last evaluated: 2019-01-18. Review status: criteria provided, single submitter. Criteria: Quest Diagnostics criteria. Collection method: clinical testing. Allele origin: germline.

Literature cited by the submitters: PubMed 29641532 (cited by Ambry Genetics).